The following is an entry in ClinVar:

ClinVar aggregate classification (germline): Uncertain significance (1 of 4 stars; one submission).

Submission:

Labcorp Genetics (formerly Invitae), Labcorp
Classification: Uncertain significance. Last evaluated: 2021-04-24. Review status: criteria provided, single submitter. Criteria: Invitae Variant Classification Sherloc (09022015). Collection method: clinical testing. Allele origin: germline.
Comment: In summary, the available evidence is currently insufficient to determine the role of this variant in disease. Therefore, it has been classified as a Variant of Uncertain Significance. This variant has not been reported in the literature in individuals with ITGAM-related conditions. This variant is not present in population databases (ExAC no frequency). This sequence change creates a premature translational stop signal (p.Gln979Argfs*42) in the ITGAM gene. It is expected to result in an absent or disrupted protein product. However, the current clinical and genetic evidence is not sufficient to establish whether loss-of-function variants in ITGAM cause disease.

NM_000632.4(ITGAM):c.2935del (p.Gln979fs)

Gene: ITGAM (integrin subunit alpha M; plus strand). Cytogenetic location: 16p11.2.
Variant type: Deletion.
Coding change: c.2935del on transcript NM_000632.4 (MANE Select); coding-DNA position 2935, one base deleted (C; older notation c.2935delC).
Protein change: p.Gln979fs; shifts the reading frame from glutamine 979.
Molecular consequence: frameshift variant.
Genome position (GRCh38, 1-based): chr16:31,329,864, C deleted; the last of 2 consecutive C bases (chr16:31,329,863-31,329,864); deleting either gives the same sequence. VCF-style (leftmost placement, unchanged base first): chr16-31329862-AC-A. GRCh37 (hg19) VCF-style: chr16-31341183-AC-A.
Other names: c.2938del, p.Gln980fs (NM_001145808.2); short protein forms Q979fs, Q980fs.
Identifiers: ClinVar variation 1386313 (VCV001386313.6), dbSNP rs1206434220, ClinGen allele CA621883292.